The following is an entry in ClinVar:

NM_001042432.2(CLN3):c.545C>G (p.Ser182Cys)

Gene: CLN3 (CLN3 lysosomal/endosomal transmembrane protein, battenin; minus strand). Cytogenetic location: 16p12.1.
Variant type: single nucleotide variant.
Coding change: c.545C>G on transcript NM_001042432.2 (MANE Select); coding-DNA position 545, C replaced by G.
Protein change: p.Ser182Cys; replaces serine 182 with cysteine.
Molecular consequence: missense variant.
Genome position (GRCh38, 1-based): chr16:28,486,479, G>C on the plus strand (C>G on the coding strand, the complement: CLN3 is on the minus strand). VCF-style: chr16-28486479-G-C. GRCh37 (hg19) VCF-style: chr16-28497800-G-C.
Other names: c.545C>G, p.Ser182Cys (NM_000086.2); c.473C>G, p.Ser158Cys (NM_001286104.2); c.245C>G, p.Ser82Cys (NM_001286105.2); c.311C>G, p.Ser104Cys (NM_001286109.2); c.383C>G, p.Ser128Cys (NM_001286110.2); short protein forms S104C, S128C, S158C, S182C, S82C.
Identifiers: ClinVar variation 1305056 (VCV001305056.2), dbSNP rs2141712549, ClinGen allele CA395345524.

ClinVar aggregate classification (germline): Uncertain significance (1 of 4 stars; one submission).

Allele frequency attached by ClinVar (database versions not stated): gnomAD exomes below 0.00001.
gnomAD v4.1: 1 of 1,612,980 alleles (0.000062%); highest among the groups gnomAD compares: Non-Finnish European, 0.000085%; no homozygotes.

Submission:

GeneDx
Classification: Uncertain significance. Last evaluated: 2019-04-11. Review status: criteria provided, single submitter. Criteria: GeneDx Variant Classification Process June 2021. Collection method: clinical testing. Allele origin: germline. Affected: yes.
Comment: Not observed in large population cohorts (Lek et al., 2016); In silico analysis, which includes protein predictors and evolutionary conservation, supports a deleterious effect; Has not been previously published as pathogenic or benign to our knowledge